The following is an entry in ClinVar:

NM_003579.4(RAD54L):c.1315G>A (p.Glu439Lys)

Gene: RAD54L (RAD54 like; plus strand). Cytogenetic location: 1p34.1.
Variant type: single nucleotide variant.
Coding change: c.1315G>A on transcript NM_003579.4 (MANE Select); coding-DNA position 1315, G replaced by A.
Protein change: p.Glu439Lys; replaces glutamic acid 439 with lysine.
Molecular consequence: missense variant.
Genome position (GRCh38, 1-based): chr1:46,272,742, G>A. VCF-style: chr1-46272742-G-A. GRCh37 (hg19) VCF-style: chr1-46738414-G-A.
Other names: c.1315G>A, p.Glu439Lys (NM_001142548.2); c.775G>A, p.Glu259Lys (NM_001370766.1); short protein forms E439K, E259K.
Identifiers: ClinVar variation 1769784 (VCV001769784.2), dbSNP rs1660470394, ClinGen allele CA340179545.

ClinVar aggregate classification (germline): Uncertain significance (1 of 4 stars; one submission).

Submission:

Ambry Genetics
Classification: Uncertain significance. Last evaluated: 2022-03-30. Review status: criteria provided, single submitter. Criteria: Ambry Variant Classification Scheme 2023. Collection method: clinical testing. Allele origin: germline.
Comment: The p.E439K variant (also known as c.1315G>A), located in coding exon 12 of the RAD54L gene, results from a G to A substitution at nucleotide position 1315. The glutamic acid at codon 439 is replaced by lysine, an amino acid with similar properties. This amino acid position is conserved. In addition, this alteration is predicted to be tolerated by in silico analysis. Since supporting evidence is limited at this time, the clinical significance of this alteration remains unclear.